The following is an entry in ClinVar:

ClinVar aggregate classification (germline): Pathogenic. Review status: criteria provided, multiple submitters, no conflicts (2 of 4 stars). 2 submissions from 2 submitters: Pathogenic (2). Last evaluated 2024-08-01.

Conditions:
Hemochromatosis type 4 (HFE4). Also called: Ferroportin disease; HEMOCHROMATOSIS DUE TO DEFECT IN FERROPORTIN; HEMOCHROMATOSIS, AUTOSOMAL DOMINANT. Identifiers: Orphanet 139491, Orphanet 647834, Orphanet 648562, MedGen C1853733, MONDO:0011631, OMIM 606069.

Allele frequency attached by ClinVar (database versions not stated): gnomAD 0.00001.
gnomAD v4.1: 1 of 1,613,928 alleles (0.000062%); highest among the groups gnomAD compares: Admixed American, 0.0017%; no homozygotes.

Submissions (2):

Labcorp Genetics (formerly Invitae), Labcorp
Classification: Pathogenic for Hemochromatosis type 4. Last evaluated: 2024-08-01. Review status: criteria provided, single submitter. Criteria: Invitae Variant Classification Sherloc (09022015). Collection method: clinical testing. Allele origin: germline.
Comment: This sequence change replaces cysteine, which is neutral and slightly polar, with tyrosine, which is neutral and polar, at codon 326 of the SLC40A1 protein (p.Cys326Tyr). This variant is not present in population databases (gnomAD no frequency). This missense change has been observed in individual(s) with hereditary hemochromatosis (PMID: 19342478). It has also been observed to segregate with disease in related individuals. ClinVar contains an entry for this variant (Variation ID: 2580954). Advanced modeling of protein sequence and biophysical properties (such as structural, functional, and spatial information, amino acid conservation, physicochemical variation, residue mobility, and thermodynamic stability) performed at Invitae indicates that this missense variant is not expected to disrupt SLC40A1 protein function with a negative predictive value of 80%. Experimental studies have shown that this missense change affects SLC40A1 function (PMID: 15831700, 19150361, 27441659). This variant disrupts the p.Cys326 amino acid residue in SLC40A1. Other variant(s) that disrupt this residue have been determined to be pathogenic (PMID: 26059880, 30130274; Invitae). This suggests that this residue is clinically significant, and that variants that disrupt this residue are likely to be disease-causing. For these reasons, this variant has been classified as Pathogenic.

Dr. med. U. Finckh, Human Genetics, Eurofins MVZ
Classification: Pathogenic for Hemochromatosis type 4. Last evaluated: 2022-06-10. Review status: criteria provided, single submitter. Criteria: ACMG Guidelines, 2015. Collection method: clinical testing. Allele origin: unknown. Affected: yes. Observed: 1 heterozygote.
Comment: The variant is not present in gnomAD. It is generally considered pathogenic in the literature (e.g. PMID 15692071, 29101207, 31505869, 33787609) and has been described several times in hemochromatosis patients and in functional studies as a disease-causing variant for HFE4B. Other variants of the same codon have also been described as disease-causing.

Literature cited by the submitters: PubMed 19342478 (cited by Labcorp Genetics (formerly Invitae), Labcorp); PubMed 15831700 (cited by Labcorp Genetics (formerly Invitae), Labcorp); PubMed 19150361 (cited by Labcorp Genetics (formerly Invitae), Labcorp); PubMed 27441659 (cited by Labcorp Genetics (formerly Invitae), Labcorp); PubMed 26059880 (cited by Labcorp Genetics (formerly Invitae), Labcorp); PubMed 30130274 (cited by Labcorp Genetics (formerly Invitae), Labcorp).

NM_014585.6(SLC40A1):c.977G>A (p.Cys326Tyr)

Gene: SLC40A1 (solute carrier family 40 member 1; minus strand). Cytogenetic location: 2q32.2.
Variant type: single nucleotide variant.
Coding change: c.977G>A on transcript NM_014585.6 (MANE Select); coding-DNA position 977, G replaced by A.
Protein change: p.Cys326Tyr; replaces cysteine 326 with tyrosine.
Molecular consequence: missense variant.
Genome position (GRCh38, 1-based): chr2:189,564,009, C>T on the plus strand (G>A on the coding strand, the complement: SLC40A1 is on the minus strand). VCF-style: chr2-189564009-C-T. GRCh37 (hg19) VCF-style: chr2-190428735-C-T.
Other names: short protein forms C326Y.
Identifiers: ClinVar variation 2580954 (VCV002580954.3), dbSNP rs1227198230, ClinGen allele CA349987998.
Genomic context (GRCh38, chr2:189,564,009, plus strand): 5'-ATCAAAATACTGAGGATGGAACCACTCAGTCCCTGAGTGTAGGCGTACCCTGTGGTGATG[C>T]AGTCAAAGCCCAGGACAGTCATATAAAGGAAAGCAAGACCCATGCCAGCCAGAAACACAG-3'
Protein context (NP_055400.1, residues 316-336): FLYMTVLGFD[Cys326Tyr]ITTGYAYTQG